The following is an entry in ClinVar:

NM_033026.6(PCLO):c.3366A>G (p.Ile1122Met)

Gene: PCLO (piccolo presynaptic cytomatrix protein; minus strand). Cytogenetic location: 7q21.11.
Variant type: single nucleotide variant.
Coding change: c.3366A>G on transcript NM_033026.6 (MANE Select); coding-DNA position 3366, A replaced by G.
Protein change: p.Ile1122Met; replaces isoleucine 1122 with methionine.
Molecular consequence: missense variant.
Genome position (GRCh38, 1-based): chr7:82,966,422, T>C on the plus strand (A>G on the coding strand, the complement: PCLO is on the minus strand). VCF-style: chr7-82966422-T-C. GRCh37 (hg19) VCF-style: chr7-82595738-T-C.
Other names: c.3366A>G, p.Ile1122Met (NM_014510.3); short protein forms I1122M.
Identifiers: ClinVar variation 1408801 (VCV001408801.6), dbSNP rs200539097, ClinGen allele CA4321053.

ClinVar aggregate classification (germline): Uncertain significance. Review status: criteria provided, multiple submitters, no conflicts (2 of 4 stars). 2 submissions from 2 submitters: Uncertain significance (2). Last evaluated 2022-09-06.

Allele frequency attached by ClinVar (database versions not stated): gnomAD 0.00001 and 0.00002; gnomAD exomes 0.00001 and 0.00002; TOPMed 0.00001; ExAC 0.00002; 1000 Genomes Project 30x 0.00047; 1000 Genomes Project 0.00060.
gnomAD v4.1: 13 of 1,613,268 alleles (0.00081%); highest among the groups gnomAD compares: Admixed American, 0.02%; no homozygotes.

Submissions (2):

Labcorp Genetics (formerly Invitae), Labcorp
Classification: Uncertain significance. Last evaluated: 2022-09-06. Review status: criteria provided, single submitter. Criteria: Invitae Variant Classification Sherloc (09022015). Collection method: clinical testing. Allele origin: germline.
Comment: This sequence change replaces isoleucine, which is neutral and non-polar, with methionine, which is neutral and non-polar, at codon 1122 of the PCLO protein (p.Ile1122Met). This variant is present in population databases (rs200539097, gnomAD 0.01%). This variant has not been reported in the literature in individuals affected with PCLO-related conditions. ClinVar contains an entry for this variant (Variation ID: 1408801). Algorithms developed to predict the effect of missense changes on protein structure and function output the following: SIFT: "Tolerated"; PolyPhen-2: "Not Available"; Align-GVGD: "Class C0". The methionine amino acid residue is found in multiple mammalian species, which suggests that this missense change does not adversely affect protein function. In summary, the available evidence is currently insufficient to determine the role of this variant in disease. Therefore, it has been classified as a Variant of Uncertain Significance.

Breakthrough Genomics
Classification: Uncertain significance. Review status: criteria provided, single submitter. Criteria: ACMG Guidelines, 2015. Collection method: not provided. Allele origin: germline. Inheritance: Autosomal recessive inheritance. Affected: yes.